The following is an entry in ClinVar:

NM_000455.5(STK11):c.1239T>C (p.Pro413=)

Gene: STK11 (serine/threonine kinase 11; plus strand). Cytogenetic location: 19p13.3.
Variant type: single nucleotide variant.
Coding change: c.1239T>C on transcript NM_000455.5 (MANE Select); coding-DNA position 1239, T replaced by C.
Protein change: p.Pro413=; no amino-acid change (proline 413 retained).
Molecular consequence: synonymous variant.
Genome position (GRCh38, 1-based): chr19:1,226,584, T>C. VCF-style: chr19-1226584-T-C. GRCh37 (hg19) VCF-style: chr19-1226583-T-C.
Identifiers: ClinVar variation 695193 (VCV000695193.12), dbSNP rs786201330, ClinGen allele CA402953935.
Genomic context (GRCh38, chr19:1,226,584, plus strand): 5'-CGGCACAGAGGCGGCGCAGCTGAGCACCAAATCCAGGGCGGAGGGCCGGGCCCCCAACCC[T>C]GCCCGCAAGGCCTGCTCCGCCAGCAGCAAGATCCGCCGGCTGTCGGCCTGCAAGCAGCAG-3'
Protein context (NP_000446.1, residues 403-423): KSRAEGRAPN[Pro413=]ARKACSASSK

ClinVar aggregate classification (germline): Benign/Likely benign. Review status: criteria provided, multiple submitters, no conflicts (2 of 4 stars). 3 submissions from 3 submitters: Benign (1); Likely benign (2). Last evaluated 2025-05-24.

Conditions:
Hereditary cancer-predisposing syndrome. Also called: Neoplastic Syndromes, Hereditary; Tumor predisposition; Hereditary neoplastic syndrome; Hereditary Cancer Syndrome. Identifiers: Orphanet 140162, MedGen C0027672, MeSH D009386, MONDO:0015356.
Peutz-Jeghers syndrome (PJS). Also called: Peutz-Jeghers polyposis; Periorificial lentiginosis syndrome; POLYPOSIS, HAMARTOMATOUS INTESTINAL; POLYPS-AND-SPOTS SYNDROME. Identifiers: Orphanet 2869, MedGen C0031269, MeSH D010580, MONDO:0008280, OMIM 175200.

gnomAD v4.1: 1 of 1,576,960 alleles (0.000063%); highest among the groups gnomAD compares: Middle Eastern, 0.018%; no homozygotes.

Submissions (3):

Ambry Genetics
Classification: Likely benign for Hereditary cancer-predisposing syndrome. Last evaluated: 2025-05-24. Review status: criteria provided, single submitter. Criteria: Ambry Variant Classification Scheme 2023. Collection method: clinical testing. Allele origin: germline.

Myriad Genetics, Inc.
Classification: Benign for Peutz-Jeghers syndrome. Last evaluated: 2025-03-31. Review status: criteria provided, single submitter. Criteria: Myriad Autosomal Dominant, Autosomal Recessive and X-Linked Classification Criteria (2023). Collection method: clinical testing. Allele origin: unknown.
Comment: This variant is considered benign. This variant is a silent/synonymous amino acid change and it is not expected to impact splicing.

Labcorp Genetics (formerly Invitae), Labcorp
Classification: Likely benign for Peutz-Jeghers syndrome. Last evaluated: 2024-05-11. Review status: criteria provided, single submitter. Criteria: Invitae Variant Classification Sherloc (09022015). Collection method: clinical testing. Allele origin: germline.